The following is an entry in ClinVar:

NM_000232.5(SGCB):c.325C>T (p.Arg109Ter)

Gene: SGCB (sarcoglycan beta; minus strand). Cytogenetic location: 4q12.
Variant type: single nucleotide variant.
Coding change: c.325C>T on transcript NM_000232.5 (MANE Select); coding-DNA position 325, C replaced by T.
Protein change: p.Arg109Ter; replaces arginine 109 with a stop codon.
Molecular consequence: nonsense.
Genome position (GRCh38, 1-based): chr4:52,029,782, G>A on the plus strand (C>T on the coding strand, the complement: SGCB is on the minus strand). VCF-style: chr4-52029782-G-A. GRCh37 (hg19) VCF-style: chr4-52895948-G-A.
Other names: c.325C>T (NM_000232.4); short protein forms R109*.
Identifiers: ClinVar variation 1076904 (VCV001076904.18), dbSNP rs750773622, ClinGen allele CA2918436.

ClinVar aggregate classification (germline): Pathogenic/Likely pathogenic. Review status: criteria provided, multiple submitters, no conflicts (2 of 4 stars). 6 submissions from 6 submitters: Pathogenic (4); Likely pathogenic (2). Last evaluated 2025-10-10.

Conditions:
SGCB-related disorder. Also called: SGCB-related condition.
Autosomal recessive limb-girdle muscular dystrophy type 2E (LGMDR4). Also called: MUSCULAR DYSTROPHY, LIMB-GIRDLE, AUTOSOMAL RECESSIVE 4. Identifiers: Orphanet 119, MedGen C1858593, MONDO:0011423, OMIM 604286. Disease mechanism: Affects gamma-sarcoglycan and also disrupts the integrity of the entire sarcoglycan complex..

Allele frequency attached by ClinVar (database versions not stated): gnomAD exomes below 0.00001; TOPMed 0.00001.

Submissions (6):

Natera, Inc.
Classification: Pathogenic for Limb-girdle muscular dystrophy type 2E. Last evaluated: 2025-10-10. Review status: criteria provided, single submitter. Criteria: Natera Variant Classification Schema (03/2026). Collection method: clinical testing. Allele origin: germline.
Comment: The c.325C>T variant in SGCB is a nonsense variant predicted to introduce a stop codon at amino acid 109. This variant is expected to result in nonsense mediated decay, truncation, or a dysfunctional protein product. This variant is rare in the general population with a frequency below the threshold expected for the associated phenotype(s). This variant has been observed in one or more individuals affected with the associated recessive disease, as either homozygous or compound heterozygous with a second variant (PMID: 17994539). Given the available evidence, this variant is classified as Pathogenic.

Labcorp Genetics (formerly Invitae), Labcorp
Classification: Pathogenic for Autosomal recessive limb-girdle muscular dystrophy type 2E. Last evaluated: 2023-03-25. Review status: criteria provided, single submitter. Criteria: Invitae Variant Classification Sherloc (09022015). Collection method: clinical testing. Allele origin: germline.
Comment: For these reasons, this variant has been classified as Pathogenic. ClinVar contains an entry for this variant (Variation ID: 1076904). This premature translational stop signal has been observed in individual(s) with limb-girdle muscular dystrophy (PMID: 17994539). This variant is present in population databases (rs750773622, gnomAD 0.0009%). This sequence change creates a premature translational stop signal (p.Arg109*) in the SGCB gene. It is expected to result in an absent or disrupted protein product. Loss-of-function variants in SGCB are known to be pathogenic (PMID: 15938573, 18285821).

Baylor Genetics
Classification: Pathogenic for Autosomal recessive limb-girdle muscular dystrophy type 2E. Last evaluated: 2023-03-21. Review status: criteria provided, single submitter. Criteria: ACMG Guidelines, 2015. Collection method: clinical testing. Allele origin: unknown.

Blueprint Genetics
Classification: Likely pathogenic for SGCB-related disorders. Last evaluated: 2022-11-15. Review status: criteria provided, single submitter. Criteria: ACMG Guidelines, 2015. Collection method: clinical testing. Allele origin: germline. Affected: yes. Observed: 1 variant allele.

Athena Diagnostics
Classification: Pathogenic. Last evaluated: 2022-06-29. Review status: criteria provided, single submitter. Criteria: Athena Diagnostics Criteria. Collection method: clinical testing. Allele origin: unknown.
Comment: This variant is expected to result in the loss of a functional protein. The frequency of this variant in the general population is consistent with pathogenicity. This variant has been identified in at least one individual with clinical features associated with this gene.

Neuberg Centre For Genomic Medicine, NCGM
Classification: Likely pathogenic for Autosomal recessive limb-girdle muscular dystrophy type 2E. Review status: criteria provided, single submitter. Criteria: ACMG Guidelines, 2015. Collection method: clinical testing. Allele origin: germline. Affected: yes.
Comment: The stop gained p.R109* in SGCB (NM_000232.5) has not been reported previously as a pathogenic variant nor as a benign variant, to our knowledge. The p.R109* variant is observed in 1/1,13,748 (0.0009%) alleles from individuals of European (Non-Finnish) background in gnomAD Exomes and is novel (not in any individuals) in 1000 Genomes. This variant is predicted to cause loss of normal protein function through protein truncation. Loss of function mutations have been reported to be disease causing previously. For these reasons, this variant has been classified as Likely Pathogenic.

Literature cited by the submitters: PubMed 17994539 (cited by 3 submitters); PubMed 15938573 (cited by Labcorp Genetics (formerly Invitae), Labcorp); PubMed 18285821 (cited by Labcorp Genetics (formerly Invitae), Labcorp).